The following is an entry in ClinVar:

ClinVar aggregate classification (germline): Uncertain significance (1 of 4 stars; one submission).

Conditions:
Hereditary cancer-predisposing syndrome. Also called: Hereditary Cancer Syndrome; Neoplastic Syndromes, Hereditary; Tumor predisposition; Hereditary neoplastic syndrome. Identifiers: Orphanet 140162, MedGen C0027672, MeSH D009386, MONDO:0015356.

Submission:

Color Diagnostics, LLC DBA Color Health
Classification: Uncertain significance for Hereditary cancer-predisposing syndrome. Last evaluated: 2024-03-06. Review status: criteria provided, single submitter. Criteria: ACMG Guidelines, 2015. Collection method: clinical testing. Allele origin: germline.
Comment: This variant causes the substitution of two amino acids, glutamic acid and tyrosine, with aspartic acid and histidine at codon 407 and 408, respectively, of the PALB2 protein. To our knowledge, functional studies have not been performed for this variant. This variant has not been reported in individuals affected with hereditary cancer in the literature. This variant has not been identified in the general population by the Genome Aggregation Database (gnomAD). The available evidence is insufficient to determine the role of this variant in disease conclusively. Therefore, this variant is classified as a Variant of Uncertain Significance.

NM_024675.4(PALB2):c.1221_1222delinsTC (p.Glu407_Tyr408delinsAspHis)

Gene: PALB2 (partner and localizer of BRCA2; minus strand). Cytogenetic location: 16p12.2.
Variant type: Indel.
Coding change: c.1221_1222delinsTC on transcript NM_024675.4 (MANE Select); coding-DNA positions 1221 to 1222, AT replaced by TC.
Protein change: p.Glu407_Tyr408delinsAspHis.
Molecular consequence: missense variant.
Genome position (GRCh38, 1-based): chr16:23,635,324-23,635,325, AT replaced by GA on the plus strand (AT replaced by TC on the coding strand, the reverse complement: PALB2 is on the minus strand). VCF-style: chr16-23635324-AT-GA. GRCh37 (hg19) VCF-style: chr16-23646645-AT-GA.
Other names: c.1221_1222delATinsTC (NM_024675.3).
Identifiers: ClinVar variation 490067 (VCV000490067.5), dbSNP rs1555461393, ClinGen allele CA658683913.